The following is an entry in ClinVar:

ClinVar aggregate classification (germline): Uncertain significance. Review status: criteria provided, multiple submitters, no conflicts (2 of 4 stars). 2 submissions from 2 submitters: Uncertain significance (2). Last evaluated 2025-10-18.

Allele frequency attached by ClinVar (database versions not stated): TOPMed 0.00001; gnomAD 0.00002; gnomAD exomes 0.00002.
gnomAD v4.1: 32 of 1,613,720 alleles (0.002%); highest among the groups gnomAD compares: Non-Finnish European, 0.0026%; no homozygotes.

Submissions (2):

Labcorp Genetics (formerly Invitae), Labcorp
Classification: Uncertain significance. Last evaluated: 2025-10-18. Review status: criteria provided, single submitter. Criteria: Invitae Variant Classification Sherloc (09022015). Collection method: clinical testing. Allele origin: germline.
Comment: This sequence change replaces aspartic acid, which is acidic and polar, with glycine, which is neutral and non-polar, at codon 537 of the NPAT protein (p.Asp537Gly). This variant is present in population databases (no rsID available, gnomAD 0.007%). This variant has not been reported in the literature in individuals affected with NPAT-related conditions. ClinVar contains an entry for this variant (Variation ID: 2496674). An algorithm developed to predict the effect of missense changes on protein structure and function (PolyPhen-2) suggests that this variant is likely to be tolerated. In summary, the available evidence is currently insufficient to determine the role of this variant in disease. Therefore, it has been classified as a Variant of Uncertain Significance.

Ambry Genetics
Classification: Uncertain significance. Last evaluated: 2023-01-15. Review status: criteria provided, single submitter. Criteria: Ambry Variant Classification Scheme 2023. Collection method: clinical testing. Allele origin: germline.
Comment: The p.D537G variant (also known as c.1610A>G), located in coding exon 13 of the NPAT gene, results from an A to G substitution at nucleotide position 1610. The aspartic acid at codon 537 is replaced by glycine, an amino acid with similar properties. This amino acid position is conserved. In addition, this alteration is predicted to be tolerated by in silico analysis. Since supporting evidence is limited at this time, the clinical significance of this alteration remains unclear.

NM_002519.3(NPAT):c.1610A>G (p.Asp537Gly)

Gene: NPAT (nuclear protein, coactivator of histone transcription; minus strand). Cytogenetic location: 11q22.3.
Variant type: single nucleotide variant.
Coding change: c.1610A>G on transcript NM_002519.3 (MANE Select); coding-DNA position 1610, A replaced by G.
Protein change: p.Asp537Gly; replaces aspartic acid 537 with glycine.
Molecular consequence: missense variant.
Genome position (GRCh38, 1-based): chr11:108,173,374, T>C on the plus strand (A>G on the coding strand, the complement: NPAT is on the minus strand). VCF-style: chr11-108173374-T-C. GRCh37 (hg19) VCF-style: chr11-108044101-T-C.
Other names: c.1610A>G, p.Asp537Gly (NM_001321307.1); short protein forms D537G.
Identifiers: ClinVar variation 2496674 (VCV002496674.3), dbSNP rs1171047761, ClinGen allele CA382514764.